The following is an entry in ClinVar:

ClinVar aggregate classification (germline): Uncertain significance (0 of 4 stars; one submission).

Conditions:
Developmental and epileptic encephalopathy 112. Identifiers: MedGen C5882700, MONDO:0957812, OMIM 620537.

gnomAD v4.1: 6 of 1,614,004 alleles (0.00037%); highest among the groups gnomAD compares: South Asian, 0.0044%; no homozygotes.

Submission:

Hong-Tao Li Lab, Institute of Brain Science and Brain-inspired Research, Shandong First Medical University & Shandong Academy of Medical Sciences China
Classification: Uncertain significance for Developmental and epileptic encephalopathy 112. Review status: no assertion criteria provided. Collection method: research. Allele origin: germline. Inheritance: Autosomal dominant inheritance. Affected: yes. Observed: 1 variant allele, 1 heterozygote.
Comment: Observed in affected individuals from a Pakistani neurodevelopmental-disorder research cohort of 263 individuals. Classification assigned using the ACMG/AMP framework. Population-frequency evidence: gnomAD AF 1.195e-05.

NM_139318.5(KCNH5):c.1918A>G (p.Ile640Val)

Gene: KCNH5 (potassium voltage-gated channel subfamily H member 5; minus strand). Cytogenetic location: 14q23.2.
Variant type: single nucleotide variant.
Coding change: c.1918A>G on transcript NM_139318.5 (MANE Select); coding-DNA position 1918, A replaced by G.
Protein change: p.Ile640Val; replaces isoleucine 640 with valine.
Molecular consequence: missense variant. On other transcripts: intron variant (1).
Genome position (GRCh38, 1-based): chr14:62,779,829, T>C on the plus strand (A>G on the coding strand, the complement: KCNH5 is on the minus strand). VCF-style: chr14-62779829-T-C. GRCh37 (hg19) VCF-style: chr14-63246547-T-C.
Other names: c.1822+22500A>G (NM_172375.3); short protein forms I640V.
Identifiers: ClinVar variation 4884809 (VCV004884809.1).